The following is an entry in ClinVar:

ClinVar aggregate classification (germline): Pathogenic. Review status: criteria provided, multiple submitters, no conflicts (2 of 4 stars). 5 submissions from 5 submitters: Pathogenic (4). 1 of the submissions does not count toward it. Last evaluated 2024-04-09.

Conditions:
CNGB1-related disorder. Also called: CNGB1-related condition.
Retinitis pigmentosa 45 (RP45). Identifiers: Orphanet 791, MedGen C3151066, MONDO:0013413, OMIM 613767.
Retinitis pigmentosa (RP). Identifiers: Orphanet 791, MedGen C0035334, MeSH D012174, MONDO:0019200, OMIM 268000. Inheritance: Autosomal dominant, autosomal recessive and X linked inheritance.

Allele frequency attached by ClinVar (database versions not stated): gnomAD exomes below 0.00001 and 0.00001; TOPMed below 0.00001; gnomAD 0.00002.
gnomAD v4.1: 15 of 1,613,784 alleles (0.00093%); highest among the groups gnomAD compares: African/African-American, 0.004%; no homozygotes.

Submissions (5):

Fulgent Genetics
Classification: Pathogenic for Retinitis pigmentosa 45. Last evaluated: 2024-04-09. Review status: criteria provided, single submitter. Criteria: ACMG Guidelines, 2015. Collection method: clinical testing. Allele origin: germline.

GeneDx
Classification: Pathogenic. Last evaluated: 2022-12-08. Review status: criteria provided, single submitter. Criteria: GeneDx Variant Classification Process June 2021. Collection method: clinical testing. Allele origin: germline. Affected: yes.
Comment: Nonsense variant predicted to result in protein truncation or nonsense mediated decay in a gene for which loss of function is a known mechanism of disease; This variant is associated with the following publications: (PMID: 28056120, 32581362)

Labcorp Genetics (formerly Invitae), Labcorp
Classification: Pathogenic. Last evaluated: 2022-11-24. Review status: criteria provided, single submitter. Criteria: Invitae Variant Classification Sherloc (09022015). Collection method: clinical testing. Allele origin: germline.
Comment: For these reasons, this variant has been classified as Pathogenic. ClinVar contains an entry for this variant (Variation ID: 437971). This sequence change creates a premature translational stop signal (p.Arg729*) in the CNGB1 gene. It is expected to result in an absent or disrupted protein product. Loss-of-function variants in CNGB1 are known to be pathogenic (PMID: 15557452, 24043777). This variant is present in population databases (no rsID available, gnomAD 0.008%). This premature translational stop signal has been observed in individual(s) with autosomal recessive retinitis pigmentosa (PMID: 28041643, 28056120).

Blueprint Genetics
Classification: Pathogenic for CNGB1-related disorders. Last evaluated: 2021-09-17. Review status: criteria provided, single submitter. Criteria: ACMG Guidelines, 2015. Collection method: clinical testing. Allele origin: germline. Affected: yes. Observed: 2 variant alleles.

NIHR Bioresource Rare Diseases, University of Cambridge
Classification: Likely pathogenic for Retinitis pigmentosa. Last evaluated: 2015-01-01. Review status: no assertion criteria provided. Collection method: research. Allele origin: unknown. Affected: yes. Observed: 1 variant allele. Not counted in ClinVar's aggregate classification.

Literature cited by the submitters: PubMed 15557452 (cited by Labcorp Genetics (formerly Invitae), Labcorp); PubMed 24043777 (cited by Labcorp Genetics (formerly Invitae), Labcorp); PubMed 28041643 (cited by Labcorp Genetics (formerly Invitae), Labcorp and NIHR Bioresource Rare Diseases, University of Cambridge); PubMed 28056120 (cited by Labcorp Genetics (formerly Invitae), Labcorp).

NM_001297.5(CNGB1):c.2185C>T (p.Arg729Ter)

Gene: CNGB1 (cyclic nucleotide gated channel subunit beta 1; minus strand). Cytogenetic location: 16q21.
Variant type: single nucleotide variant.
Coding change: c.2185C>T on transcript NM_001297.5 (MANE Select); coding-DNA position 2185, C replaced by T.
Protein change: p.Arg729Ter; replaces arginine 729 with a stop codon.
Molecular consequence: nonsense.
Genome position (GRCh38, 1-based): chr16:57,916,161, G>A on the plus strand (C>T on the coding strand, the complement: CNGB1 is on the minus strand). VCF-style: chr16-57916161-G-A. GRCh37 (hg19) VCF-style: chr16-57950065-G-A.
Other names: c.2167C>T, p.Arg723Ter (NM_001286130.2); short protein forms R729*, R723*.
Identifiers: ClinVar variation 437971 (VCV000437971.13), dbSNP rs1352458826, ClinGen allele CA396063476.